The following is an entry in ClinVar:

ClinVar aggregate classification (germline): Uncertain significance (1 of 4 stars; one submission).

Conditions:
Hereditary cancer-predisposing syndrome. Also called: Neoplastic Syndromes, Hereditary; Tumor predisposition; Hereditary Cancer Syndrome; Hereditary neoplastic syndrome. Identifiers: Orphanet 140162, MedGen C0027672, MeSH D009386, MONDO:0015356.

Submission:

Ambry Genetics
Classification: Uncertain significance for Hereditary cancer-predisposing syndrome. Last evaluated: 2021-10-28. Review status: criteria provided, single submitter. Criteria: Ambry Variant Classification Scheme 2023. Collection method: clinical testing. Allele origin: germline.
Comment: The p.S340F variant (also known as c.1019C>T), located in coding exon 9 of the APC gene, results from a C to T substitution at nucleotide position 1019. The serine at codon 340 is replaced by phenylalanine, an amino acid with highly dissimilar properties. This amino acid position is highly conserved in available vertebrate species. In addition, in silico predictors for this gene do not accurately predict pathogenicity. Since supporting evidence is limited at this time, the clinical significance of this alteration remains unclear.

NM_000038.6(APC):c.1019C>T (p.Ser340Phe)

Gene: APC (APC regulator of Wnt signaling pathway; plus strand). Cytogenetic location: 5q22.2.
Variant type: single nucleotide variant.
Coding change: c.1019C>T on transcript NM_000038.6 (MANE Select); coding-DNA position 1019, C replaced by T.
Protein change: p.Ser340Phe; replaces serine 340 with phenylalanine.
Molecular consequence: missense variant. On other transcripts: intron variant (4).
Genome position (GRCh38, 1-based): chr5:112,819,051, C>T. VCF-style: chr5-112819051-C-T. GRCh37 (hg19) VCF-style: chr5-112154748-C-T.
Other names: c.965C>T, p.Ser322Phe (NM_001127511.3); c.1019C>T, p.Ser340Phe (NM_001354895.2, NM_001354896.2, NM_001127510.3 and 4 more transcripts); c.1049C>T, p.Ser350Phe (NM_001354897.2, NM_001407446.1); c.944C>T, p.Ser315Phe (NM_001354898.2, NM_001407451.1); c.935C>T, p.Ser312Phe (NM_001354899.2, NM_001407452.1); c.842C>T, p.Ser281Phe (NM_001354900.2, NM_001354901.2, NM_001407453.1); c.170C>T, p.Ser57Phe (NM_001354906.2, NM_001407470.1); c.964-218C>T (NM_001354902.2); and 3 more; short protein forms S57F, S281F, S322F, S340F, S312F, S315F, S350F.
Identifiers: ClinVar variation 1753048 (VCV001753048.2), dbSNP rs1580528320, ClinGen allele CA16023542.